The following is an entry in ClinVar:

ClinVar aggregate classification (germline): Uncertain significance (1 of 4 stars; one submission).

Conditions:
Cardiomyopathy (CMYO). Also called: Cardiomyopathies. Identifiers: Orphanet 167848, MedGen C0878544, MONDO:0004994, HP:0001638. Inheritance: Various modes of inheritance.

Submission:

Color Diagnostics, LLC DBA Color Health
Classification: Uncertain significance for Cardiomyopathy. Last evaluated: 2022-11-07. Review status: criteria provided, single submitter. Criteria: ACMG Guidelines, 2015. Collection method: clinical testing. Allele origin: germline.
Comment: This missense variant replaces glycine with cysteine at codon 2491 of the RYR2 protein. Computational prediction suggests that this variant may have deleterious impact on protein structure and function (internally defined REVEL score threshold >= 0.7, PMID: 27666373). To our knowledge, functional studies have not been reported for this variant. This variant has not been reported in individuals affected with RYR2-related disorders in the literature. This variant has not been identified in the general population by the Genome Aggregation Database (gnomAD). The available evidence is insufficient to determine the role of this variant in disease conclusively. Therefore, this variant is classified as a Variant of Uncertain Significance.

NM_001035.3(RYR2):c.7471G>T (p.Gly2491Cys)

Gene: RYR2 (ryanodine receptor 2; plus strand). Cytogenetic location: 1q43.
Variant type: single nucleotide variant.
Coding change: c.7471G>T on transcript NM_001035.3 (MANE Select); coding-DNA position 7471, G replaced by T.
Protein change: p.Gly2491Cys; replaces glycine 2491 with cysteine.
Molecular consequence: missense variant.
Genome position (GRCh38, 1-based): chr1:237,648,572, G>T. VCF-style: chr1-237648572-G-T. GRCh37 (hg19) VCF-style: chr1-237811872-G-T.
Other names: short protein forms G2491C.
Identifiers: ClinVar variation 2774328 (VCV002774328.2), dbSNP rs2547026372, ClinGen allele CA345398578.